The following is an entry in ClinVar:

NM_020702.5(MYORG):c.1603A>G (p.Ile535Val)

Gene: MYORG (myogenesis regulating glycosidase; minus strand). Cytogenetic location: 9p13.3.
Variant type: single nucleotide variant.
Coding change: c.1603A>G on transcript NM_020702.5 (MANE Select); coding-DNA position 1603, A replaced by G.
Protein change: p.Ile535Val; replaces isoleucine 535 with valine.
Molecular consequence: missense variant.
Genome position (GRCh38, 1-based): chr9:34,371,341, T>C on the plus strand (A>G on the coding strand, the complement: MYORG is on the minus strand). VCF-style: chr9-34371341-T-C. GRCh37 (hg19) VCF-style: chr9-34371339-T-C.
Other names: short protein forms I535V.
Identifiers: ClinVar variation 1681291 (VCV001681291.8), dbSNP rs1200499384, ClinGen allele CA373240354.
Genomic context (GRCh38, chr9:34,371,341, plus strand): 5'-CCACCATATCGGGTAGGATGAATGGGTAGCCCAGCATGCTGACGGTGAGCACCGCGGGGA[T>C]GAGTGAGCGCAACCCCAGGTCGTAGCCCCACACAGAGTCGCGATCCACCAGGCGGAAGAA-3'
Protein context (NP_065753.2, residues 525-545): WGYDLGLRSL[Ile535Val]PAVLTVSMLG

ClinVar aggregate classification (germline): Uncertain significance (1 of 4 stars; one submission).

Allele frequency attached by ClinVar (database versions not stated): gnomAD exomes below 0.00001; TOPMed below 0.00001.
gnomAD v4.1: 2 of 1,612,898 alleles (0.00012%); highest among the groups gnomAD compares: African/African-American, 0.0027%; no homozygotes.

Submission:

Labcorp Genetics (formerly Invitae), Labcorp
Classification: Uncertain significance. Last evaluated: 2021-12-03. Review status: criteria provided, single submitter. Criteria: Invitae Variant Classification Sherloc (09022015). Collection method: clinical testing. Allele origin: germline.
Comment: This sequence change replaces isoleucine, which is neutral and non-polar, with valine, which is neutral and non-polar, at codon 535 of the KIAA1161 protein (p.Ile535Val). This variant is present in population databases (no rsID available, gnomAD 0.007%). This variant has not been reported in the literature in individuals affected with KIAA1161-related conditions. Algorithms developed to predict the effect of missense changes on protein structure and function are either unavailable or do not agree on the potential impact of this missense change (SIFT: "Deleterious"; PolyPhen-2: "Not Available"; Align-GVGD: "Class C25"). In summary, the available evidence is currently insufficient to determine the role of this variant in disease. Therefore, it has been classified as a Variant of Uncertain Significance.